The following is an entry in ClinVar:

ClinVar aggregate classification (germline): Uncertain significance. Review status: criteria provided, multiple submitters, no conflicts (2 of 4 stars). 2 submissions from 2 submitters: Uncertain significance (2). Last evaluated 2026-07-01.

Conditions:
SEMA3G-related disorder. Also called: SEMA3G-related condition.

Allele frequency attached by ClinVar (database versions not stated): gnomAD 0.00002; gnomAD exomes 0.00002; TOPMed 0.00003; ExAC 0.00005; ESP Exome Variant Server 0.00015.
gnomAD v4.1: 34 of 1,613,054 alleles (0.0021%); highest among the groups gnomAD compares: South Asian, 0.0044%; no homozygotes.

Submissions (2):

PreventionGenetics, part of Exact Sciences
Classification: Uncertain significance for SEMA3G-related condition. Last evaluated: 2026-07-01. Review status: criteria provided, single submitter. Criteria: ACMG Guidelines, 2015. Collection method: clinical testing. Allele origin: germline.
Comment: The SEMA3G c.1531C>T variant is predicted to result in the amino acid substitution p.Arg511Trp. To our knowledge, this variant has not been reported in the literature. This variant is reported in 0.0072% of alleles in individuals of European (Non-Finnish) descent in gnomAD. At this time, the clinical significance of this variant is uncertain due to the absence of conclusive functional and genetic evidence.

Ambry Genetics
Classification: Uncertain significance. Last evaluated: 2024-02-28. Review status: criteria provided, single submitter. Criteria: Ambry Variant Classification Scheme 2023. Collection method: clinical testing. Allele origin: germline.

NM_020163.3(SEMA3G):c.1531C>T (p.Arg511Trp)

Gene: SEMA3G (semaphorin 3G; minus strand). Cytogenetic location: 3p21.1.
Variant type: single nucleotide variant.
Coding change: c.1531C>T on transcript NM_020163.3 (MANE Select); coding-DNA position 1531, C replaced by T.
Protein change: p.Arg511Trp; replaces arginine 511 with tryptophan.
Molecular consequence: missense variant.
Genome position (GRCh38, 1-based): chr3:52,438,178, G>A on the plus strand (C>T on the coding strand, the complement: SEMA3G is on the minus strand). VCF-style: chr3-52438178-G-A. GRCh37 (hg19) VCF-style: chr3-52472194-G-A.
Other names: c.1531C>T (NM_020163.2); short protein forms R511W.
Identifiers: ClinVar variation 3159743 (VCV003159743.3), dbSNP rs371791154, ClinGen allele CA2437883.